The following is an entry in ClinVar:

ClinVar aggregate classification (germline): Uncertain significance (1 of 4 stars; one submission).

Submission:

Labcorp Genetics (formerly Invitae), Labcorp
Classification: Uncertain significance. Last evaluated: 2024-10-30. Review status: criteria provided, single submitter. Criteria: Invitae Variant Classification Sherloc (09022015). Collection method: clinical testing. Allele origin: germline.
Comment: This sequence change replaces aspartic acid, which is acidic and polar, with tyrosine, which is neutral and polar, at codon 684 of the JAK1 protein (p.Asp684Tyr). This variant is not present in population databases (gnomAD no frequency). This variant has not been reported in the literature in individuals affected with JAK1-related conditions. Invitae Evidence Modeling of protein sequence and biophysical properties (such as structural, functional, and spatial information, amino acid conservation, physicochemical variation, residue mobility, and thermodynamic stability) indicates that this missense variant is not expected to disrupt JAK1 protein function with a negative predictive value of 80%. In summary, the available evidence is currently insufficient to determine the role of this variant in disease. Therefore, it has been classified as a Variant of Uncertain Significance.

NM_002227.4(JAK1):c.2050G>T (p.Asp684Tyr)

Gene: JAK1 (Janus kinase 1; minus strand). Cytogenetic location: 1p31.3.
Variant type: single nucleotide variant.
Coding change: c.2050G>T on transcript NM_002227.4 (MANE Select); coding-DNA position 2050, G replaced by T.
Protein change: p.Asp684Tyr; replaces aspartic acid 684 with tyrosine.
Molecular consequence: missense variant.
Genome position (GRCh38, 1-based): chr1:64,845,578, C>A on the plus strand (G>T on the coding strand, the complement: JAK1 is on the minus strand). VCF-style: chr1-64845578-C-A. GRCh37 (hg19) VCF-style: chr1-65311261-C-A.
Other names: c.2050G>T, p.Asp684Tyr (NM_001320923.2, NM_001321852.2, NM_001321853.2 and 3 more transcripts); c.2047G>T, p.Asp683Tyr (NM_001321857.2); short protein forms D684Y, D683Y.
Identifiers: ClinVar variation 3646792 (VCV003646792.2).